The following is an entry in ClinVar:

ClinVar aggregate classification (germline): Uncertain significance (1 of 4 stars; one submission).

Conditions:
Hereditary mixed polyposis syndrome. Also called: Hereditary Mixed Polyposis. Identifiers: Orphanet 157794, MedGen C5192681, MONDO:0011023.

Submission:

St. Jude Molecular Pathology, St. Jude Children's Research Hospital
Classification: Uncertain significance for Hereditary mixed polyposis syndrome. Last evaluated: 2026-10-01. Review status: criteria provided, single submitter. Criteria: St. Jude Assertion Criteria 2020. Collection method: clinical testing. Allele origin: germline.
Comment: The GREM1 c.503_505dup p.(Lys168dup) change duplicates three nucleotides at position 503-505 resulting in an in-frame duplication of one amino acid at codon 168. This variant is absent in gnomAD v2.1.1. To our knowledge, this variant has not been reported in individuals with hereditary mixed polyposis syndrome. In summary, the evidence currently available is insufficient to determine the clinical significanc e of this variant. It has therefore been classified as of uncertain significance (VUS-Low).

NM_013372.7(GREM1):c.497AGA[4] (p.Lys168_Arg169insLys)

Gene: GREM1 (gremlin 1, DAN family BMP antagonist; plus strand). Cytogenetic location: 15q13.3.
Variant type: Microsatellite.
Coding change: c.497AGA[4] on transcript NM_013372.7 (MANE Select); four copies in a row of the 3-base unit AGA starting at c.497; the reference has three copies in a row; one copy, 3 bases duplicated; also written c.503_505dup.
Protein change: p.Lys168_Arg169insLys.
Genome position (GRCh38, 1-based): chr15:32,731,193-32,731,195, AGA duplicated; duplicating any 3 consecutive bases within chr15:32,731,186-32,731,195 gives the same sequence; the position shown is the placement nearest the transcript's 3' end. VCF-style (leftmost placement, unchanged base first): chr15-32731185-C-CAAG. GRCh37 (hg19) VCF-style: chr15-33023386-C-CAAG.
Other names: c.503_505dup (NM_013372.7); c.374AGA[4], p.Lys127_Arg128insLys (NM_001191323.2); c.497AGA[4], p.Lys168_Arg169insLys (NM_001368719.1); c.287AGA[4], p.Lys98_Arg99insLys (NM_001191322.2).
Identifiers: ClinVar variation 5038391 (VCV005038391.1).
Genomic context (GRCh38, chr15:32,731,185, plus strand): 5'-GCCCAAGAAATTCACTACCATGATGGTCACACTCAACTGCCCTGAACTACAGCCACCTAC[C>CAAG]AAGAAGAAGAGAGTCACACGTGTGAAGCAGTGTCGTTGCATATCCATCGATTTGGATTAA-3'